The following is an entry in ClinVar:

ClinVar aggregate classification (germline): Uncertain significance (1 of 4 stars; one submission).

Submission:

CeGaT Center for Human Genetics Tuebingen
Classification: Uncertain significance. Last evaluated: 2025-12-01. Review status: criteria provided, single submitter. Criteria: CeGaT Center For Human Genetics Tuebingen Variant Classification Criteria Version 2. Collection method: clinical testing. Allele origin: germline. Affected: yes. Observed: 1 variant allele.
Comment: COQ2: PM2

NM_001358921.2(COQ2):c.170G>A (p.Ser57Asn)

Genes: COQ2 (coenzyme Q2, polyprenyltransferase; minus strand), LOC112997540 (Sharpr-MPRA regulatory region 13773; plus strand). Cytogenetic location: 4q21.23.
Variant type: single nucleotide variant.
Coding change: c.170G>A on transcript NM_001358921.2 (MANE Select); coding-DNA position 170, G replaced by A.
Protein change: p.Ser57Asn; replaces serine 57 with asparagine.
Molecular consequence: missense variant.
Genome position (GRCh38, 1-based): chr4:83,284,595, C>T on the plus strand (G>A on the coding strand, the complement: COQ2 is on the minus strand). VCF-style: chr4-83284595-C-T. GRCh37 (hg19) VCF-style: chr4-84205748-C-T.
Other names: c.320G>A, p.Ser107Asn (NM_015697.9); short protein forms S107N, S57N.
Identifiers: ClinVar variation 4681741 (VCV004681741.5).